The following is an entry in ClinVar:

NM_002878.4(RAD51D):c.27C>T (p.Cys9=)

Genes: RAD51D (RAD51 paralog D; minus strand), RAD51L3-RFFL (RAD51L3-RFFL readthrough; minus strand). Cytogenetic location: 17q12.
Variant type: single nucleotide variant.
Coding change: c.27C>T on transcript NM_002878.4 (MANE Select); coding-DNA position 27, C replaced by T.
Protein change: p.Cys9=; no amino-acid change (cysteine 9 retained).
Molecular consequence: synonymous variant. On other transcripts: non-coding transcript variant (2).
Genome position (GRCh38, 1-based): chr17:35,119,587, G>A on the plus strand (C>T on the coding strand, the complement: RAD51D is on the minus strand). VCF-style: chr17-35119587-G-A. GRCh37 (hg19) VCF-style: chr17-33446606-G-A.
Other names: c.27C>T, p.Cys9= (NM_001142571.2, NM_133629.3).
Identifiers: ClinVar variation 185973 (VCV000185973.24), dbSNP rs200487648, ClinGen allele CA193534.
Genomic context (GRCh38, chr17:35,119,587, plus strand): 5'-GTCACCTGTCTTGATCCTGTGGCTCCTGAGAAGCTGGATCATCTCCTCGGTAAGGCCAGG[G>A]CACAGTCCGACCCTGAGCACGCCCATGTTCCCCGCAGGCCGGAACAGCCCCAGGGGGACT-3'
Protein context (NP_002869.3, residues 1-19): MGVLRVGL[Cys9=]PGLTEEMIQL

ClinVar aggregate classification (germline): Benign/Likely benign. Review status: criteria provided, multiple submitters, no conflicts (2 of 4 stars). 9 submissions from 9 submitters: Benign (1); Likely benign (7). 1 of the submissions does not count toward it. Last evaluated 2026-06-17.

Conditions:
RAD51D-related disorder. Also called: RAD51D-related condition.
Hereditary cancer-predisposing syndrome. Also called: Neoplastic Syndromes, Hereditary; Tumor predisposition; Hereditary neoplastic syndrome; Hereditary Cancer Syndrome. Identifiers: Orphanet 140162, MedGen C0027672, MeSH D009386, MONDO:0015356.
Breast-ovarian cancer, familial, susceptibility to, 4. Identifiers: Orphanet 145, MedGen C3280345, MONDO:0013669, OMIM 614291.
Malignant tumor of breast. Also called: Malignant breast neoplasm; Cancer breast. Identifiers: MedGen C0006142, MONDO:0007254. Disease mechanism: loss of function.

Allele frequency attached by ClinVar (database versions not stated): gnomAD 0.00001; TOPMed 0.00001; ExAC 0.00003; gnomAD exomes 0.00005; 1000 Genomes Project 30x 0.00016; 1000 Genomes Project 0.00020.
gnomAD v4.1: 20 of 1,612,382 alleles (0.0012%); highest among the groups gnomAD compares: East Asian, 0.038%; no homozygotes.

Submissions (9):

PreventionGenetics, part of Exact Sciences
Classification: Likely benign for RAD51D-related condition. Last evaluated: 2026-06-17. Review status: criteria provided, single submitter. Criteria: ACMG Guidelines, 2015. Collection method: clinical testing. Allele origin: germline.
Comment: This variant is classified as likely benign based on ACMG/AMP sequence variant interpretation guidelines (Richards et al. 2015 PMID: 25741868, with internal and published modifications).

Labcorp Genetics (formerly Invitae), Labcorp
Classification: Likely benign for Breast-ovarian cancer, familial, susceptibility to, 4. Last evaluated: 2026-01-26. Review status: criteria provided, single submitter. Criteria: Invitae Variant Classification Sherloc (09022015). Collection method: clinical testing. Allele origin: germline.

Myriad Genetics, Inc.
Classification: Benign for Breast-ovarian cancer, familial, susceptibility to, 4. Last evaluated: 2025-02-19. Review status: criteria provided, single submitter. Criteria: Myriad Autosomal Dominant, Autosomal Recessive and X-Linked Classification Criteria (2023). Collection method: clinical testing. Allele origin: unknown.
Comment: This variant is considered benign. This variant is a silent/synonymous amino acid change and it is not expected to impact splicing.

Sema4
Classification: Likely benign for Hereditary cancer-predisposing syndrome. Last evaluated: 2021-11-22. Review status: criteria provided, single submitter. Criteria: Sema4 Curation Guidelines. Collection method: curation. Allele origin: germline.

Quest Diagnostics Nichols Institute San Juan Capistrano
Classification: Likely benign. Last evaluated: 2020-03-03. Review status: criteria provided, single submitter. Criteria: Quest Diagnostics criteria. Collection method: clinical testing. Allele origin: unknown.

GeneDx
Classification: Likely benign. Last evaluated: 2019-01-04. Review status: criteria provided, single submitter. Criteria: GeneDx Variant Classification Process June 2021. Collection method: clinical testing. Allele origin: germline. Affected: yes.

Color Diagnostics, LLC DBA Color Health
Classification: Likely benign for Hereditary cancer-predisposing syndrome. Last evaluated: 2015-11-16. Review status: criteria provided, single submitter. Criteria: ACMG Guidelines, 2015. Collection method: clinical testing. Allele origin: germline.

Ambry Genetics
Classification: Likely benign for Hereditary cancer-predisposing syndrome. Last evaluated: 2014-09-12. Review status: criteria provided, single submitter. Criteria: Ambry Variant Classification Scheme 2023. Collection method: clinical testing. Allele origin: germline.

Department of Pathology and Laboratory Medicine, Sinai Health System
Classification: Likely benign for Malignant tumor of breast. Review status: no assertion criteria provided. Collection method: clinical testing. Allele origin: unknown. Affected: yes. Study: The Canadian Open Genetics Repository (COGR). Not counted in ClinVar's aggregate classification.
Comment: The RAD51D p.Cys9= variant was not identified in the literature. The variant was identified in dbSNP (ID: rs200487648) as â€šÃ„ÃºWith Likely benign alleleâ€šÃ„Ã¹ and ClinVar (classified likely benign by Ambry Genetics, Invitae, Color and GeneDx). The variant was identified in control databases in 10 of 242490 chromosomes at a frequency of 0.00004 (Genome Aggregation Database Feb 27, 2017), observed in the following populations: Other in 1 of 5456 chromosomes (freq: 0.0002) and East Asian in 9 of 17198 chromosomes (freq: 0.0005), while not observed in the African, Latino, European, Ashkenazi Jewish, Finnish, or South Asian populations. The p.Cys9= variant is not expected to have clinical significance because it does not result in a change of amino acid and is not located in a known consensus splice site. In addition, in silico or computational prediction software programs (SpliceSiteFinder, MaxEntScan, NNSPLICE, GeneSplicer) do not predict a difference in splicing. In summary, based on the above information, the clinical significance of this variant cannot be determined with certainty at this time although we would lean towards a more benign role for this variant. This variant is classified as likely benign.